The following is an entry in ClinVar:

ClinVar aggregate classification (germline): Benign. Review status: criteria provided, multiple submitters, no conflicts (2 of 4 stars). 3 submissions from 3 submitters: Benign (3). Last evaluated 2018-10-16.

Conditions:
Ulnar-mammary syndrome (UMS). Also called: SCHINZEL SYNDROME; Ulnar-mammary syndrome of Pallister; PALLISTER ULNAR-MAMMARY SYNDROME. Identifiers: Orphanet 3138, MedGen C1866994, MONDO:0008411, OMIM 181450.

Allele frequency attached by ClinVar (database versions not stated): gnomAD 0.19780 and 0.20289; TOPMed 0.19861; 1000 Genomes Project 0.24501.
gnomAD v4.1: 176,706 of 800,404 alleles (22%); highest among the groups gnomAD compares: East Asian, 44%; 21,681 homozygotes.

Submissions (3):

GeneDx
Classification: Benign. Last evaluated: 2018-10-16. Review status: criteria provided, single submitter. Criteria: GeneDx Variant Classification Process June 2021. Collection method: clinical testing. Allele origin: germline. Affected: yes.

Illumina Laboratory Services, Illumina
Classification: Benign for Ulnar-mammary syndrome. Last evaluated: 2018-01-13. Review status: criteria provided, single submitter. Criteria: ICSL Variant Classification Criteria 13 December 2019. Collection method: clinical testing. Allele origin: germline.
Comment: This variant was observed in the ICSL laboratory as part of a predisposition screen in an ostensibly healthy population. It had not been previously curated by ICSL or reported in the Human Gene Mutation Database (HGMD: prior to June 1st, 2018), and was therefore a candidate for classification through an automated scoring system. Utilizing variant allele frequency, disease prevalence and penetrance estimates, and inheritance mode, an automated score was calculated to assess if this variant is too frequent to cause the disease. Based on the score and internal cut-off values, a variant classified as benign is not then subjected to further curation. The score for this variant resulted in a classification of benign for this disease.

Breakthrough Genomics
Classification: Benign. Review status: criteria provided, single submitter. Criteria: ACMG Guidelines, 2015. Collection method: not provided. Allele origin: germline. Inheritance: Autosomal dominant inheritance. Affected: yes.

NM_005996.4(TBX3):c.-184C>T

Genes: TBX3 (T-box transcription factor 3; minus strand), TBX3-AS1 (TBX3 antisense RNA 1; plus strand). Cytogenetic location: 12q24.21.
Variant type: single nucleotide variant.
Coding change: c.-184C>T on transcript NM_005996.4 (MANE Select); 184 bases upstream of the start codon, C replaced by T.
Molecular consequence: 5 prime UTR variant.
Genome position (GRCh38, 1-based): chr12:114,683,384, G>A on the plus strand (C>T on the coding strand, the complement: TBX3 is on the minus strand). VCF-style: chr12-114683384-G-A. GRCh37 (hg19) VCF-style: chr12-115121189-G-A.
Other names: c.-184C>T (NM_016569.4).
Identifiers: ClinVar variation 307383 (VCV000307383.7), dbSNP rs2242442, ClinGen allele CA10641096.